The following is an entry in ClinVar:

NM_018558.4(GABRQ):c.1618_1619del (p.Lys540fs)

Genes: GABRQ (gamma-aminobutyric acid type A receptor subunit theta; plus strand), MAGEA3-DT (MAGEA3 divergent transcript; minus strand). Cytogenetic location: Xq28.
Variant type: Deletion.
Coding change: c.1618_1619del on transcript NM_018558.4 (MANE Select); coding-DNA positions 1618 to 1619, 2 bases deleted (AA; older notation c.1618_1619delAA).
Protein change: p.Lys540fs; shifts the reading frame from lysine 540.
Molecular consequence: frameshift variant.
Genome position (GRCh38, 1-based): chrX:152,653,000-152,653,001, AA deleted. VCF-style (leftmost placement, unchanged base first): chrX-152652999-CAA-C. GRCh37 (hg19) VCF-style: chrX-151821462-CAA-C.
Other names: short protein forms K540fs.
Identifiers: ClinVar variation 917594 (VCV000917594.2), dbSNP rs1931070303, ClinGen allele CA1139667821.

ClinVar aggregate classification (germline): Uncertain significance (1 of 4 stars; one submission).

Allele frequency attached by ClinVar (database versions not stated): TOPMed 0.00002.

Submission:

Women's Health and Genetics/Laboratory Corporation of America, LabCorp
Classification: Uncertain significance. Last evaluated: 2023-06-27. Review status: criteria provided, single submitter. Criteria: LabCorp Variant Classification Summary - May 2015. Collection method: clinical testing. Allele origin: germline.
Comment: Variant summary: GABRQ c.1618_1619delAA (p.Lys540GlufsX7) results in a premature termination codon, predicted to cause a truncation of the encoded protein, however the molecular mechanism of disease attributed to GABRQ is currently unknown. While this variant is not expected to result in nonsense-mediated decay, it is predicted to disrupt the last 93 amino acids of the protein. The variant was absent in 183198 control chromosomes (gnomAD). The available data on variant occurrences in the general population are insufficient to allow any conclusion about variant significance. To our knowledge, no occurrence of c.1618_1619delAA in individuals affected with GABRQ-Related Disorders and no experimental evidence demonstrating its impact on protein function have been reported. No submitters have reported clinical-significance assessments for this variant to ClinVar after 2014. GABRQ is shown to tolerate to LOF variants(pLI=0, gnomAD database), and is not associated with established gene-phenotype relationships in the OMIM database. Other variants in this gene have been reported without strong evidence supporting an association to disease (HGMD, LOVD databases). Since available evidence is limited, this variant was classified as uncertain significance.